The following is an entry in ClinVar:

ClinVar aggregate classification (germline): Uncertain significance (1 of 4 stars; one submission).

Conditions:
Spondyloenchondrodysplasia with immune dysregulation (SPENCDI). Also called: SPONDYLOENCHONDRODYSPLASIA WITH OR WITHOUT IMMUNE DYSREGULATION; ROIFMAN IMMUNOSKELETAL SYNDROME; COMBINED IMMUNODEFICIENCY WITH AUTOIMMUNITY AND SPONDYLOMETAPHYSEAL DYSPLASIA. Identifiers: Orphanet 1855, MedGen C1842763, MONDO:0011939, OMIM 607944.

Submission:

Labcorp Genetics (formerly Invitae), Labcorp
Classification: Uncertain significance for Spondyloenchondrodysplasia with immune dysregulation. Last evaluated: 2023-12-07. Review status: criteria provided, single submitter. Criteria: Invitae Variant Classification Sherloc (09022015). Collection method: clinical testing. Allele origin: germline.
Comment: This sequence change replaces lysine, which is basic and polar, with asparagine, which is neutral and polar, at codon 190 of the ACP5 protein (p.Lys190Asn). This variant is not present in population databases (gnomAD no frequency). This variant has not been reported in the literature in individuals affected with ACP5-related conditions. ClinVar contains an entry for this variant (Variation ID: 2076645). Advanced modeling of protein sequence and biophysical properties (such as structural, functional, and spatial information, amino acid conservation, physicochemical variation, residue mobility, and thermodynamic stability) performed at Invitae indicates that this missense variant is not expected to disrupt ACP5 protein function with a negative predictive value of 80%. In summary, the available evidence is currently insufficient to determine the role of this variant in disease. Therefore, it has been classified as a Variant of Uncertain Significance.

NM_001611.5(ACP5):c.570A>T (p.Lys190Asn)

Gene: ACP5 (acid phosphatase 5, tartrate resistant; minus strand). Cytogenetic location: 19p13.2.
Variant type: single nucleotide variant.
Coding change: c.570A>T on transcript NM_001611.5 (MANE Select); coding-DNA position 570, A replaced by T.
Protein change: p.Lys190Asn; replaces lysine 190 with asparagine.
Molecular consequence: missense variant.
Genome position (GRCh38, 1-based): chr19:11,576,408, T>A on the plus strand (A>T on the coding strand, the complement: ACP5 is on the minus strand). VCF-style: chr19-11576408-T-A. GRCh37 (hg19) VCF-style: chr19-11687223-T-A.
Other names: c.570A>T, p.Lys190Asn (NM_001111034.3, NM_001111035.3, NM_001111036.3 and 1 more transcripts); short protein forms K190N.
Identifiers: ClinVar variation 2076645 (VCV002076645.4), dbSNP rs2512726402, ClinGen allele CA404146627.